The following is an entry in ClinVar:

NM_004839.4(HOMER2):c.815A>G (p.Glu272Gly)

Gene: HOMER2 (homer scaffold protein 2; minus strand). Cytogenetic location: 15q25.2.
Variant type: single nucleotide variant.
Coding change: c.815A>G on transcript NM_004839.4 (MANE Select); coding-DNA position 815, A replaced by G.
Protein change: p.Glu272Gly; replaces glutamic acid 272 with glycine.
Molecular consequence: missense variant.
Genome position (GRCh38, 1-based): chr15:82,851,179, T>C on the plus strand (A>G on the coding strand, the complement: HOMER2 is on the minus strand). VCF-style: chr15-82851179-T-C. GRCh37 (hg19) VCF-style: chr15-83519931-T-C.
Other names: c.848A>G, p.Glu283Gly (NM_199330.3); short protein forms E283G, E272G.
Identifiers: ClinVar variation 1461880 (VCV001461880.8), dbSNP rs1422134890, ClinGen allele CA393319960.

ClinVar aggregate classification (germline): Uncertain significance (1 of 4 stars; one submission).

Allele frequency attached by ClinVar (database versions not stated): gnomAD exomes below 0.00001; TOPMed below 0.00001; gnomAD 0.00001.
gnomAD v4.1: 2 of 1,578,206 alleles (0.00013%); highest among the groups gnomAD compares: East Asian, 0.0023%; no homozygotes.

Submission:

Labcorp Genetics (formerly Invitae), Labcorp
Classification: Uncertain significance. Last evaluated: 2021-02-02. Review status: criteria provided, single submitter. Criteria: Invitae Variant Classification Sherloc (09022015). Collection method: clinical testing. Allele origin: germline.
Comment: In summary, the available evidence is currently insufficient to determine the role of this variant in disease. Therefore, it has been classified as a Variant of Uncertain Significance. Algorithms developed to predict the effect of missense changes on protein structure and function are either unavailable or do not agree on the potential impact of this missense change (SIFT: "Deleterious"; PolyPhen-2: "Probably Damaging"; Align-GVGD: "Class C0"). This variant has not been reported in the literature in individuals with HOMER2-related conditions. This variant is not present in population databases (ExAC no frequency). This sequence change replaces glutamic acid with glycine at codon 272 of the HOMER2 protein (p.Glu272Gly). The glutamic acid residue is highly conserved and there is a moderate physicochemical difference between glutamic acid and glycine.